The following is an entry in ClinVar:

ClinVar aggregate classification (germline): Likely benign. Review status: criteria provided, multiple submitters, no conflicts (2 of 4 stars). 3 submissions from 3 submitters: Likely benign (3). Last evaluated 2023-03-14.

Conditions:
Hereditary cancer-predisposing syndrome. Also called: Neoplastic Syndromes, Hereditary; Tumor predisposition; Hereditary Cancer Syndrome; Hereditary neoplastic syndrome. Identifiers: Orphanet 140162, MedGen C0027672, MeSH D009386, MONDO:0015356.
Breast-ovarian cancer, familial, susceptibility to, 4. Identifiers: Orphanet 145, MedGen C3280345, MONDO:0013669, OMIM 614291.

Submissions (3):

Labcorp Genetics (formerly Invitae), Labcorp
Classification: Likely benign for Breast-ovarian cancer, familial, susceptibility to, 4. Last evaluated: 2023-03-14. Review status: criteria provided, single submitter. Criteria: Invitae Variant Classification Sherloc (09022015). Collection method: clinical testing. Allele origin: germline.

GeneDx
Classification: Likely benign. Last evaluated: 2015-12-21. Review status: criteria provided, single submitter. Criteria: GeneDx Variant Classification (06012015). Collection method: clinical testing. Allele origin: germline. Affected: yes.
Comment: This variant is considered likely benign or benign based on one or more of the following criteria: it is a conservative change, it occurs at a poorly conserved position in the protein, it is predicted to be benign by multiple in silico algorithms, and/or has population frequency not consistent with disease.

Ambry Genetics
Classification: Likely benign for Hereditary cancer-predisposing syndrome. Last evaluated: 2015-09-28. Review status: criteria provided, single submitter. Criteria: Ambry Variant Classification Scheme 2023. Collection method: clinical testing. Allele origin: germline.

NM_002878.4(RAD51D):c.663G>A (p.Arg221=)

Genes: RAD51L3-RFFL (RAD51L3-RFFL readthrough; minus strand), RAD51D (RAD51 paralog D; minus strand). Cytogenetic location: 17q12.
Variant type: single nucleotide variant.
Coding change: c.663G>A on transcript NM_002878.4 (MANE Select); coding-DNA position 663, G replaced by A.
Protein change: p.Arg221=; no amino-acid change (arginine 221 retained).
Molecular consequence: synonymous variant. On other transcripts: non-coding transcript variant (3).
Genome position (GRCh38, 1-based): chr17:35,103,458, C>T on the plus strand (G>A on the coding strand, the complement: RAD51D is on the minus strand). VCF-style: chr17-35103458-C-T. GRCh37 (hg19) VCF-style: chr17-33430477-C-T.
Other names: c.723G>A, p.Arg241= (NM_001142571.2); c.327G>A, p.Arg109= (NM_133629.3).
Identifiers: ClinVar variation 234167 (VCV000234167.8), dbSNP rs876660896, ClinGen allele CA10580448.
Genomic context (GRCh38, chr17:35,103,458, plus strand): 5'-AGAGCTGGGAGGCGAGGTCACATTCCACTGGCCCCAGGCTCTGCCACATCACTCACCTTC[C>T]CTCTGCTGACCTCCCAGAAGTGGGGAAACCACCGCAGTGACCGAGTCCACAACCACCACC-3'
Protein context (NP_002869.3, residues 211-231): VVSPLLGGQQ[Arg221=]EGLALMMQLA